The following is an entry in ClinVar:

ClinVar aggregate classification (germline): Uncertain significance (1 of 4 stars; one submission).

Conditions:
Combined immunodeficiency due to LRBA deficiency. Also called: Common variable immunodeficiency 8, with autoimmunity. Identifiers: Orphanet 445018, MedGen C3553512, MONDO:0013863, OMIM 614700.

Submission:

Labcorp Genetics (formerly Invitae), Labcorp
Classification: Uncertain significance for Combined immunodeficiency due to LRBA deficiency. Last evaluated: 2025-10-08. Review status: criteria provided, single submitter. Criteria: Invitae Variant Classification Sherloc (09022015). Collection method: clinical testing. Allele origin: germline.
Comment: This sequence change replaces arginine, which is basic and polar, with lysine, which is basic and polar, at codon 1516 of the LRBA protein (p.Arg1516Lys). This variant is not present in population databases (gnomAD no frequency). This variant has not been reported in the literature in individuals affected with LRBA-related conditions. Invitae Evidence Modeling of protein sequence and biophysical properties (such as structural, functional, and spatial information, amino acid conservation, physicochemical variation, residue mobility, and thermodynamic stability) has been performed for this missense variant. However, the output from this modeling did not meet the statistical confidence thresholds required to predict the impact of this variant on LRBA protein function. In summary, the available evidence is currently insufficient to determine the role of this variant in disease. Therefore, it has been classified as a Variant of Uncertain Significance.

NM_001364905.1(LRBA):c.4547G>A (p.Arg1516Lys)

Gene: LRBA (LPS responsive beige-like anchor protein; minus strand). Cytogenetic location: 4q31.3.
Variant type: single nucleotide variant.
Coding change: c.4547G>A on transcript NM_001364905.1 (MANE Select); coding-DNA position 4547, G replaced by A.
Protein change: p.Arg1516Lys; replaces arginine 1516 with lysine.
Molecular consequence: missense variant.
Genome position (GRCh38, 1-based): chr4:150,844,122, C>T on the plus strand (G>A on the coding strand, the complement: LRBA is on the minus strand). VCF-style: chr4-150844122-C-T. GRCh37 (hg19) VCF-style: chr4-151765274-C-T.
Other names: c.4547G>A, p.Arg1516Lys (NM_001199282.3, NM_001367550.1, NM_001440430.1 and 2 more transcripts); short protein forms R1516K.
Identifiers: ClinVar variation 4703710 (VCV004703710.1).